The following is an entry in ClinVar:

NM_024685.4(BBS10):c.1907C>T (p.Ala636Val)

Gene: BBS10 (Bardet-Biedl syndrome 10; minus strand). Cytogenetic location: 12q21.2.
Variant type: single nucleotide variant.
Coding change: c.1907C>T on transcript NM_024685.4 (MANE Select); coding-DNA position 1907, C replaced by T.
Protein change: p.Ala636Val; replaces alanine 636 with valine.
Molecular consequence: missense variant.
Genome position (GRCh38, 1-based): chr12:76,346,078, G>A on the plus strand (C>T on the coding strand, the complement: BBS10 is on the minus strand). VCF-style: chr12-76346078-G-A. GRCh37 (hg19) VCF-style: chr12-76739858-G-A.
Other names: short protein forms A636V.
Identifiers: ClinVar variation 1369769 (VCV001369769.6), dbSNP rs113224628, ClinGen allele CA239331547.

ClinVar aggregate classification (germline): Uncertain significance (1 of 4 stars; one submission).

Conditions:
Bardet-Biedl syndrome (BBS). Identifiers: Orphanet 110, MedGen C0752166, MONDO:0015229.

Submission:

Labcorp Genetics (formerly Invitae), Labcorp
Classification: Uncertain significance for Bardet-Biedl syndrome. Last evaluated: 2025-05-16. Review status: criteria provided, single submitter. Criteria: Invitae Variant Classification Sherloc (09022015). Collection method: clinical testing. Allele origin: germline.
Comment: This sequence change replaces alanine, which is neutral and non-polar, with valine, which is neutral and non-polar, at codon 636 of the BBS10 protein (p.Ala636Val). This variant is not present in population databases (gnomAD no frequency). This missense change has been observed in individual(s) with Bardet-Biedl syndrome (PMID: 20472660). ClinVar contains an entry for this variant (Variation ID: 1369769). Invitae Evidence Modeling of protein sequence and biophysical properties (such as structural, functional, and spatial information, amino acid conservation, physicochemical variation, residue mobility, and thermodynamic stability) indicates that this missense variant is not expected to disrupt BBS10 protein function with a negative predictive value of 80%. In summary, the available evidence is currently insufficient to determine the role of this variant in disease. Therefore, it has been classified as a Variant of Uncertain Significance.

Literature cited by the submitters: PubMed 20472660.